The following is an entry in ClinVar:

ClinVar aggregate classification (germline): Conflicting classifications of pathogenicity. Review status: criteria provided, conflicting classifications (1 of 4 stars). 3 submissions from 3 submitters: Uncertain significance (2); Likely benign (1). Last evaluated 2026-01-01.

Allele frequency attached by ClinVar (database versions not stated): 1000 Genomes Project 30x 0.00016; 1000 Genomes Project 0.00020; gnomAD 0.00028 and 0.00034; gnomAD exomes 0.00028 and 0.00041; TOPMed 0.00028; ESP Exome Variant Server 0.00038; ExAC 0.00055.
gnomAD v4.1: 491 of 1,611,330 alleles (0.03%); highest among the groups gnomAD compares: Middle Eastern, 0.92%; 5 homozygotes.

Submissions (3):

CeGaT Center for Human Genetics Tuebingen
Classification: Likely benign. Last evaluated: 2026-01-01. Review status: criteria provided, single submitter. Criteria: CeGaT Center For Human Genetics Tuebingen Variant Classification Criteria Version 2. Collection method: clinical testing. Allele origin: germline. Affected: yes. Observed: 2 variant alleles.
Comment: SASH1: BP4

GeneDx
Classification: Uncertain significance. Last evaluated: 2019-04-29. Review status: criteria provided, single submitter. Criteria: GeneDx Variant Classification Process June 2021. Collection method: clinical testing. Allele origin: germline. Affected: yes.
Comment: In silico analysis, which includes protein predictors and evolutionary conservation, supports that this variant does not alter protein structure/function; Has not been previously published as pathogenic or benign to our knowledge

Breakthrough Genomics
Classification: Uncertain significance. Review status: criteria provided, single submitter. Criteria: ACMG Guidelines, 2015. Collection method: not provided. Allele origin: germline. Inheritance: Autosomal recessive inheritance. Affected: yes.

NM_015278.5(SASH1):c.3236C>T (p.Pro1079Leu)

Gene: SASH1 (SAM and SH3 domain containing 1; plus strand). Cytogenetic location: 6q25.1.
Variant type: single nucleotide variant.
Coding change: c.3236C>T on transcript NM_015278.5 (MANE Select); coding-DNA position 3236, C replaced by T.
Protein change: p.Pro1079Leu; replaces proline 1079 with leucine.
Molecular consequence: missense variant.
Genome position (GRCh38, 1-based): chr6:148,544,706, C>T. VCF-style: chr6-148544706-C-T. GRCh37 (hg19) VCF-style: chr6-148865842-C-T.
Other names: c.3101C>T, p.Pro1034Leu (NM_001346505.2); c.2864C>T, p.Pro955Leu (NM_001346506.2); c.2519C>T, p.Pro840Leu (NM_001346507.2); c.3008C>T, p.Pro1003Leu (NM_001346508.2); c.2885C>T, p.Pro962Leu (NM_001346509.2); short protein forms P1003L, P1034L, P1079L, P955L, P840L, P962L.
Identifiers: ClinVar variation 872147 (VCV000872147.44), dbSNP rs141603869, ClinGen allele CA4040801.